The following is an entry in ClinVar:

ClinVar aggregate classification (germline): Uncertain significance (1 of 4 stars; one submission).

Submission:

Labcorp Genetics (formerly Invitae), Labcorp
Classification: Uncertain significance. Last evaluated: 2022-08-28. Review status: criteria provided, single submitter. Criteria: Invitae Variant Classification Sherloc (09022015). Collection method: clinical testing. Allele origin: germline.
Comment: Algorithms developed to predict the effect of missense changes on protein structure and function are either unavailable or do not agree on the potential impact of this missense change (SIFT: "Deleterious"; PolyPhen-2: "Benign"; Align-GVGD: "Class C15"). This sequence change replaces asparagine, which is neutral and polar, with aspartic acid, which is acidic and polar, at codon 151 of the RAB28 protein (p.Asn151Asp). This variant is not present in population databases (gnomAD no frequency). This variant has not been reported in the literature in individuals affected with RAB28-related conditions. ClinVar contains an entry for this variant (Variation ID: 1521507). In summary, the available evidence is currently insufficient to determine the role of this variant in disease. Therefore, it has been classified as a Variant of Uncertain Significance.

NM_001017979.3(RAB28):c.451A>G (p.Asn151Asp)

Gene: RAB28 (RAB28, member RAS oncogene family; minus strand). Cytogenetic location: 4p15.33.
Variant type: single nucleotide variant.
Coding change: c.451A>G on transcript NM_001017979.3 (MANE Select); coding-DNA position 451, A replaced by G.
Protein change: p.Asn151Asp; replaces asparagine 151 with aspartic acid.
Molecular consequence: missense variant.
Genome position (GRCh38, 1-based): chr4:13,381,535, T>C on the plus strand (A>G on the coding strand, the complement: RAB28 is on the minus strand). VCF-style: chr4-13381535-T-C. GRCh37 (hg19) VCF-style: chr4-13383159-T-C.
Other names: c.451A>G, p.Asn151Asp (NM_001159601.2, NM_004249.4); short protein forms N151D.
Identifiers: ClinVar variation 1521507 (VCV001521507.8), dbSNP rs1729127703, ClinGen allele CA356404901.